The following is an entry in ClinVar:

NM_001184.4(ATR):c.2299C>A (p.Leu767Ile)

Gene: ATR (ATR checkpoint kinase; minus strand). Cytogenetic location: 3q23.
Variant type: single nucleotide variant.
Coding change: c.2299C>A on transcript NM_001184.4 (MANE Select); coding-DNA position 2299, C replaced by A.
Protein change: p.Leu767Ile; replaces leucine 767 with isoleucine.
Molecular consequence: missense variant.
Genome position (GRCh38, 1-based): chr3:142,555,919, G>T on the plus strand (C>A on the coding strand, the complement: ATR is on the minus strand). VCF-style: chr3-142555919-G-T. GRCh37 (hg19) VCF-style: chr3-142274761-G-T.
Other names: c.2107C>A, p.Leu703Ile (NM_001354579.2); short protein forms L767I, L703I.
Identifiers: ClinVar variation 3009826 (VCV003009826.3), dbSNP rs530165257, ClinGen allele CA2650397.
Genomic context (GRCh38, chr3:142,555,919, plus strand): 5'-TAAGTCATAATCACTCACCAAGTTTTACTGGACTAGGTATTTTTTTTTTCAGTAGGAAAA[G>T]GAATGGCTTGCAGACAGAAGCTTTTAGTTGAGAAGATGAACATTCATGTTGAGAAGTGGC-3'
Protein context (NP_001175.2, residues 757-777): QLKASVCKPF[Leu767Ile]FLLKKKIPSP

ClinVar aggregate classification (germline): Uncertain significance (1 of 4 stars; one submission).

Allele frequency attached by ClinVar (database versions not stated): gnomAD 0.00001; ExAC 0.00002; 1000 Genomes Project 30x 0.00016; 1000 Genomes Project 0.00020.
gnomAD v4.1: 6 of 1,610,896 alleles (0.00037%); highest among the groups gnomAD compares: South Asian, 0.0056%; no homozygotes.

Submission:

Labcorp Genetics (formerly Invitae), Labcorp
Classification: Uncertain significance. Last evaluated: 2023-08-30. Review status: criteria provided, single submitter. Criteria: Invitae Variant Classification Sherloc (09022015). Collection method: clinical testing. Allele origin: germline.
Comment: In summary, the available evidence is currently insufficient to determine the role of this variant in disease. Therefore, it has been classified as a Variant of Uncertain Significance. An algorithm developed to predict the effect of missense changes on protein structure and function (PolyPhen-2) suggests that this variant is likely to be tolerated. This variant has not been reported in the literature in individuals affected with ATR-related conditions. This variant is present in population databases (rs530165257, gnomAD 0.007%). This sequence change replaces leucine, which is neutral and non-polar, with isoleucine, which is neutral and non-polar, at codon 767 of the ATR protein (p.Leu767Ile).